The following is an entry in ClinVar:

ClinVar aggregate classification (germline): Uncertain significance (1 of 4 stars; one submission).

Submission:

Labcorp Genetics (formerly Invitae), Labcorp
Classification: Uncertain significance. Last evaluated: 2025-08-21. Review status: criteria provided, single submitter. Criteria: Invitae Variant Classification Sherloc (09022015). Collection method: clinical testing. Allele origin: germline.
Comment: This sequence change replaces valine, which is neutral and non-polar, with isoleucine, which is neutral and non-polar, at codon 119 of the SPPL2A protein (p.Val119Ile). This variant is not present in population databases (gnomAD no frequency). This variant has not been reported in the literature in individuals affected with SPPL2A-related conditions. ClinVar contains an entry for this variant (Variation ID: 2108536). An algorithm developed to predict the effect of missense changes on protein structure and function outputs the following: PolyPhen-2: "Benign". The isoleucine amino acid residue is found in multiple mammalian species, which suggests that this missense change does not adversely affect protein function. In summary, the available evidence is currently insufficient to determine the role of this variant in disease. Therefore, it has been classified as a Variant of Uncertain Significance.

NM_032802.4(SPPL2A):c.355G>A (p.Val119Ile)

Gene: SPPL2A (signal peptide peptidase like 2A; minus strand). Cytogenetic location: 15q21.2.
Variant type: single nucleotide variant.
Coding change: c.355G>A on transcript NM_032802.4 (MANE Select); coding-DNA position 355, G replaced by A.
Protein change: p.Val119Ile; replaces valine 119 with isoleucine.
Molecular consequence: missense variant.
Genome position (GRCh38, 1-based): chr15:50,748,693, C>T on the plus strand (G>A on the coding strand, the complement: SPPL2A is on the minus strand). VCF-style: chr15-50748693-C-T. GRCh37 (hg19) VCF-style: chr15-51040890-C-T.
Other names: short protein forms V119I.
Identifiers: ClinVar variation 2108536 (VCV002108536.4), dbSNP rs575721916, ClinGen allele CA392414588.
Genomic context (GRCh38, chr15:50,748,693, plus strand): 5'-TGTGAAATTTCACATCATGAACTCAAAATAAGATATGATTGTTTTTATAACTTACTAGGA[C>T]ACTGTTATTGACAACTAACATTGCTTCAGCACCTCCTTTCTGTGCAATTCTGGCTTTTTC-3'
Protein context (NP_116191.2, residues 109-129): AEAMLVVNNS[Val119Ile]LFPPSGNRSE